The following is an entry in ClinVar:

ClinVar aggregate classification (germline): Conflicting classifications of pathogenicity. Review status: criteria provided, conflicting classifications (1 of 4 stars). 8 submissions from 8 submitters: Uncertain significance (1); Benign (2); Likely benign (4). 1 of the submissions does not count toward it. Last evaluated 2025-12-28.

Conditions:
Inborn genetic diseases. Identifiers: MedGen C0950123, MeSH D030342.
Developmental and epileptic encephalopathy, 8 (DEE8). Also called: HYPEREKPLEXIA AND EPILEPSY. Identifiers: Orphanet 163985, Orphanet 2076, MedGen C1845102, MONDO:0010375, OMIM 300607.
ARHGEF9-related disorder. Also called: ARHGEF9-related condition.

Allele frequency attached by ClinVar (database versions not stated): ESP Exome Variant Server 0.00038; gnomAD 0.00038 and 0.00039; TOPMed 0.00039; gnomAD exomes 0.00040 and 0.00046; 1000 Genomes Project 30x 0.00042; 1000 Genomes Project 0.00053; ExAC 0.00057.
gnomAD v4.1: 493 of 1,202,473 alleles (0.041%); highest among the groups gnomAD compares: Middle Eastern, 0.6%; 1 homozygote.

Submissions (8):

Labcorp Genetics (formerly Invitae), Labcorp
Classification: Benign for Developmental and epileptic encephalopathy, 8. Last evaluated: 2025-12-28. Review status: criteria provided, single submitter. Criteria: Invitae Variant Classification Sherloc (09022015). Collection method: clinical testing. Allele origin: germline.

Blueprint Genetics
Classification: Likely benign. Last evaluated: 2024-09-23. Review status: criteria provided, single submitter. Criteria: ACMG Guidelines, 2015. Collection method: clinical testing. Allele origin: germline.

CeGaT Center for Human Genetics Tuebingen
Classification: Likely benign. Last evaluated: 2024-04-01. Review status: criteria provided, single submitter. Criteria: CeGaT Center For Human Genetics Tuebingen Variant Classification Criteria Version 2. Collection method: clinical testing. Allele origin: germline. Affected: yes. Observed: 3 variant alleles.
Comment: ARHGEF9: BP4, BP7, BS2

GeneDx
Classification: Benign. Last evaluated: 2019-04-03. Review status: criteria provided, single submitter. Criteria: GeneDx Variant Classification Process June 2021. Collection method: clinical testing. Allele origin: germline. Affected: yes.

Eurofins Ntd Llc (ga)
Classification: Likely benign. Last evaluated: 2016-11-28. Review status: criteria provided, single submitter. Criteria: EGL Classification Definitions 2015. Collection method: clinical testing. Allele origin: germline. Observed: 1 variant allele, 1 hemizygote.

Ambry Genetics
Classification: Likely benign for Inborn genetic diseases. Last evaluated: 2014-11-24. Review status: criteria provided, single submitter. Criteria: Ambry Variant Classification Scheme 2023. Collection method: clinical testing. Allele origin: germline.

Genetic Services Laboratory, University of Chicago
Classification: Uncertain significance. Last evaluated: 2013-06-04. Review status: criteria provided, single submitter. Criteria: ACMG Guidelines, 2007. Collection method: clinical testing. Allele origin: germline. Inheritance: X-linked inheritance.

PreventionGenetics, part of Exact Sciences
Classification: Likely benign for ARHGEF9-related condition. Last evaluated: 2019-09-17. Review status: no assertion criteria provided. Collection method: clinical testing. Allele origin: germline. Not counted in ClinVar's aggregate classification.
Comment: This variant is classified as likely benign based on ACMG/AMP sequence variant interpretation guidelines (Richards et al. 2015 PMID: 25741868, with internal and published modifications).

NM_001353921.2(ARHGEF9):c.675G>A (p.Gln225=)

Gene: ARHGEF9 (Cdc42 guanine nucleotide exchange factor 9; minus strand). Cytogenetic location: Xq11.1.
Variant type: single nucleotide variant.
Coding change: c.675G>A on transcript NM_001353921.2 (MANE Select); coding-DNA position 675, G replaced by A.
Protein change: p.Gln225=; no amino-acid change (glutamine 225 retained).
Molecular consequence: synonymous variant.
Genome position (GRCh38, 1-based): chrX:63,678,480, C>T on the plus strand (G>A on the coding strand, the complement: ARHGEF9 is on the minus strand). VCF-style: chrX-63678480-C-T. GRCh37 (hg19) VCF-style: chrX-62898360-C-T.
Other names: c.495G>A, p.Gln165= (NM_001173479.2); c.348G>A, p.Gln116= (NM_001173480.2, NM_001369042.1); c.591G>A, p.Gln197= (NM_001330495.2, NM_001353927.2, NM_001369033.1 and 8 more transcripts); c.675G>A, p.Gln225= (NM_001353922.2); c.693G>A, p.Gln231= (NM_001353923.1); c.474G>A, p.Gln158= (NM_001353924.2, NM_001353926.2, NM_001369039.1 and 1 more transcripts); c.654G>A, p.Gln218= (NM_001353928.2, NM_001369030.1, NM_001369031.1 and 2 more transcripts); c.240G>A, p.Gln80= (NM_001369045.1).
Identifiers: ClinVar variation 128451 (VCV000128451.67), dbSNP rs140777637, ClinGen allele CA230912.